The following is an entry in ClinVar:

ClinVar aggregate classification (germline): Benign (1 of 4 stars; one submission).

Conditions:
Sialic acid storage disease, severe infantile type (ISSD). Also called: INFANTILE SIALIC ACID STORAGE DISORDER; N-ACETYLNEURAMINIC ACID STORAGE DISEASE; NANA STORAGE DISEASE; SIALURIA, INFANTILE FORM; Infantile Sialic Acid Storage Disease; Free sialic acid storage disease, infantile form. Identifiers: Orphanet 309324, Orphanet 834, MedGen C1096902, MONDO:0010027, OMIM 269920.

Allele frequency attached by ClinVar (database versions not stated): gnomAD exomes 0.20000; 1000 Genomes Project 0.30092; 1000 Genomes Project 30x 0.30621; TOPMed 0.37496; gnomAD 0.37788 and 0.38715.
gnomAD v4.1: 57,124 of 151,412 alleles (38%); highest among the groups gnomAD compares: African/African-American, 47%; 11,393 homozygotes.

Submission:

Illumina Laboratory Services, Illumina
Classification: Benign for Sialic acid storage disease, severe infantile type. Last evaluated: 2018-01-13. Review status: criteria provided, single submitter. Criteria: ICSL Variant Classification Criteria 13 December 2019. Collection method: clinical testing. Allele origin: germline.
Comment: This variant was observed in the ICSL laboratory as part of a predisposition screen in an ostensibly healthy population. It had not been previously curated by ICSL or reported in the Human Gene Mutation Database (HGMD: prior to June 1st, 2018), and was therefore a candidate for classification through an automated scoring system. Utilizing variant allele frequency, disease prevalence and penetrance estimates, and inheritance mode, an automated score was calculated to assess if this variant is too frequent to cause the disease. Based on the score and internal cut-off values, a variant classified as benign is not then subjected to further curation. The score for this variant resulted in a classification of benign for this disease.

NM_012434.5(SLC17A5):c.*971G>A

Gene: SLC17A5 (solute carrier family 17 member 5; minus strand). Cytogenetic location: 6q13.
Variant type: single nucleotide variant.
Coding change: c.*971G>A on transcript NM_012434.5 (MANE Select); 971 bases downstream of the stop codon, G replaced by A.
Molecular consequence: 3 prime UTR variant.
Genome position (GRCh38, 1-based): chr6:73,594,106, C>T on the plus strand (G>A on the coding strand, the complement: SLC17A5 is on the minus strand). VCF-style: chr6-73594106-C-T. GRCh37 (hg19) VCF-style: chr6-74303829-C-T.
Identifiers: ClinVar variation 357907 (VCV000357907.6), dbSNP rs670248, ClinGen allele CA10627542.
Genomic context (GRCh38, chr6:73,594,106, plus strand): 5'-TCTCGCTCCATCGCCCAGGCTGGAGTGCAGTGGCGTGATCTTGGTTCACTGCAACTTCCA[C>T]CTCCCAGGTTCAAGTGATTCTCCTACCTCAGCCTCCTGAGTATCTGGGATTACAGGCGCC-3'